The following is an entry in ClinVar:

ClinVar aggregate classification (germline): Uncertain significance (1 of 4 stars; one submission).

Conditions:
Cardiovascular phenotype. Identifiers: MedGen CN230736.

Allele frequency attached by ClinVar (database versions not stated): gnomAD 0.00001; TOPMed 0.00001.
gnomAD v4.1: 2 of 1,605,364 alleles (0.00012%); highest among the groups gnomAD compares: Non-Finnish European, 0.00017%; no homozygotes.

Submission:

Ambry Genetics
Classification: Uncertain significance for Cardiovascular phenotype. Last evaluated: 2021-01-25. Review status: criteria provided, single submitter. Criteria: Ambry Variant Classification Scheme 2023. Collection method: clinical testing. Allele origin: germline.
Comment: The p.A589V variant (also known as c.1766C>T), located in coding exon 12 of the SCN10A gene, results from a C to T substitution at nucleotide position 1766. The alanine at codon 589 is replaced by valine, an amino acid with similar properties. This amino acid position is not well conserved in available vertebrate species. In addition, this alteration is predicted to be tolerated by in silico analysis. Since supporting evidence is limited at this time, the clinical significance of this alteration remains unclear.

NM_006514.4(SCN10A):c.1766C>T (p.Ala589Val)

Gene: SCN10A (sodium voltage-gated channel alpha subunit 10; minus strand). Cytogenetic location: 3p22.2.
Variant type: single nucleotide variant.
Coding change: c.1766C>T on transcript NM_006514.4 (MANE Select); coding-DNA position 1766, C replaced by T.
Protein change: p.Ala589Val; replaces alanine 589 with valine.
Molecular consequence: missense variant.
Genome position (GRCh38, 1-based): chr3:38,750,174, G>A on the plus strand (C>T on the coding strand, the complement: SCN10A is on the minus strand). VCF-style: chr3-38750174-G-A. GRCh37 (hg19) VCF-style: chr3-38791665-G-A.
Other names: c.1766C>T, p.Ala589Val (NM_001293306.2); c.1472C>T, p.Ala491Val (NM_001293307.2); short protein forms A491V, A589V.
Identifiers: ClinVar variation 1779685 (VCV001779685.2), dbSNP rs757978975, ClinGen allele CA72984247.
Genomic context (GRCh38, chr3:38,750,174, plus strand): 5'-CTTTGGGCCCGGAAAGGTTCATCTAAGTATTCTGCTGACAAGAAAGTCTTCTTTTGTCCT[G>A]CATCGAATGCCTGTTGAGACACAAACAGAGTCAGGACGCTCCTTTAACCTGACATCTTCA-3'
Protein context (NP_006505.4, residues 579-599): PGAVDVSAFD[Ala589Val]GQKKTFLSAE